The following is an entry in ClinVar:

ClinVar aggregate classification (germline): Uncertain significance. Review status: criteria provided, multiple submitters, no conflicts (2 of 4 stars). 3 submissions from 3 submitters: Uncertain significance (3). Last evaluated 2024-09-10.

Conditions:
Hereditary cancer-predisposing syndrome. Also called: Neoplastic Syndromes, Hereditary; Hereditary Cancer Syndrome; Tumor predisposition; Hereditary neoplastic syndrome. Identifiers: Orphanet 140162, MedGen C0027672, MeSH D009386, MONDO:0015356.
Familial cancer of breast. Also called: hereditary breast carcinoma; Hereditary breast cancer; BREAST CANCER, FAMILIAL. Identifiers: Orphanet 227535, MedGen C0346153, MONDO:0016419, OMIM 114480. Disease mechanism: loss of function.
Fanconi anemia complementation group J. Also called: BRIP1-Related Fanconi Anemia. Identifiers: Orphanet 84, MedGen C1836860, MONDO:0012187, OMIM 609054.

Allele frequency attached by ClinVar (database versions not stated): gnomAD exomes below 0.00001; ExAC 0.00001.
gnomAD v4.1: 2 of 1,614,158 alleles (0.00012%); highest among the groups gnomAD compares: South Asian, 0.0022%; no homozygotes.

Submissions (3):

Labcorp Genetics (formerly Invitae), Labcorp
Classification: Uncertain significance for Familial cancer of breast; Fanconi anemia complementation group J. Last evaluated: 2024-09-10. Review status: criteria provided, single submitter. Criteria: Invitae Variant Classification Sherloc (09022015). Collection method: clinical testing. Allele origin: germline.
Comment: This sequence change replaces leucine, which is neutral and non-polar, with proline, which is neutral and non-polar, at codon 1023 of the BRIP1 protein (p.Leu1023Pro). This variant is present in population databases (rs747345595, gnomAD 0.003%). This variant has not been reported in the literature in individuals affected with BRIP1-related conditions. ClinVar contains an entry for this variant (Variation ID: 1515301). An algorithm developed to predict the effect of missense changes on protein structure and function (PolyPhen-2) suggests that this variant is likely to be tolerated. In summary, the available evidence is currently insufficient to determine the role of this variant in disease. Therefore, it has been classified as a Variant of Uncertain Significance.

Ambry Genetics
Classification: Uncertain significance for Hereditary cancer-predisposing syndrome. Last evaluated: 2023-02-20. Review status: criteria provided, single submitter. Criteria: Ambry Variant Classification Scheme 2023. Collection method: clinical testing. Allele origin: germline.
Comment: The p.L1023P variant (also known as c.3068T>C), located in coding exon 19 of the BRIP1 gene, results from a T to C substitution at nucleotide position 3068. The leucine at codon 1023 is replaced by proline, an amino acid with similar properties. This amino acid position is conserved. In addition, this alteration is predicted to be tolerated by in silico analysis. Since supporting evidence is limited at this time, the clinical significance of this alteration remains unclear.

Color Diagnostics, LLC DBA Color Health
Classification: Uncertain significance for Hereditary cancer-predisposing syndrome. Last evaluated: 2022-11-21. Review status: criteria provided, single submitter. Criteria: ACMG Guidelines, 2015. Collection method: clinical testing. Allele origin: germline.
Comment: This missense variant replaces leucine with proline at codon 1023 of the BRIP1 protein. Computational prediction suggests that this variant may not impact protein structure and function (internally defined REVEL score threshold <= 0.5, PMID: 27666373). To our knowledge, functional studies have not been reported for this variant. This variant has not been reported in individuals affected with BRIP1-related disorders in the literature. This variant has been identified in 1/251442 chromosomes in the general population by the Genome Aggregation Database (gnomAD). The available evidence is insufficient to determine the role of this variant in disease conclusively. Therefore, this variant is classified as a Variant of Uncertain Significance.

NM_032043.3(BRIP1):c.3068T>C (p.Leu1023Pro)

Gene: BRIP1 (BRCA1 interacting DNA helicase 1; minus strand). Cytogenetic location: 17q23.2.
Variant type: single nucleotide variant.
Coding change: c.3068T>C on transcript NM_032043.3 (MANE Select); coding-DNA position 3068, T replaced by C.
Protein change: p.Leu1023Pro; replaces leucine 1023 with proline.
Molecular consequence: missense variant.
Genome position (GRCh38, 1-based): chr17:61,683,978, A>G on the plus strand (T>C on the coding strand, the complement: BRIP1 is on the minus strand). VCF-style: chr17-61683978-A-G. GRCh37 (hg19) VCF-style: chr17-59761339-A-G.
Other names: c.3068T>C (NM_032043.2); short protein forms L1023P.
Identifiers: ClinVar variation 1515301 (VCV001515301.12), dbSNP rs747345595, ClinGen allele CA8690406.
Genomic context (GRCh38, chr17:61,683,978, plus strand): 5'-CTTTCCATCTTCTCTGTTTTGAAACGGGGAGGACTAGAGGCACTATTCTCTGATGACCCG[A>G]GCTCAGGTGTTGCCTTCGGTATTTTACCAGTAAAATACTGTCCCAAAGAATTAAAGCTTG-3'
Protein context (NP_114432.2, residues 1013-1033): TGKIPKATPE[Leu1023Pro]GSSENSASSP